The following is an entry in ClinVar:

NM_000077.5(CDKN2A):c.457+5_457+7delinsTGT

Gene: CDKN2A (cyclin dependent kinase inhibitor 2A; minus strand). Cytogenetic location: 9p21.3.
Variant type: Indel.
Coding change: c.457+5_457+7delinsTGT on transcript NM_000077.5 (MANE Select); bases 5 to 7 of the intron after coding-DNA position 457, GGA replaced by TGT.
Molecular consequence: intron variant.
Genome position (GRCh38, 1-based): chr9:21,970,895-21,970,897, TCC replaced by ACA on the plus strand (GGA replaced by TGT on the coding strand, the reverse complement: CDKN2A is on the minus strand). VCF-style: chr9-21970895-TCC-ACA. GRCh37 (hg19) VCF-style: chr9-21970894-TCC-ACA.
Other names: c.457+5_457+7delGGAinsTGT (NM_000077.4); c.304+5_304+7delinsTGT (NM_001363763.2); c.*101+5_*101+7delinsTGT (NM_058195.4); c.457+5_457+7delinsTGT (NM_001195132.2); c.*380+5_*380+7delinsTGT (NM_058197.5).
Identifiers: ClinVar variation 3265578 (VCV003265578.1), dbSNP rs1819678649.

ClinVar aggregate classification (germline): Uncertain significance (1 of 4 stars; one submission).

Conditions:
Hereditary cancer-predisposing syndrome. Also called: Neoplastic Syndromes, Hereditary; Tumor predisposition; Hereditary Cancer Syndrome; Hereditary neoplastic syndrome. Identifiers: Orphanet 140162, MedGen C0027672, MeSH D009386, MONDO:0015356.

Submission:

Ambry Genetics
Classification: Uncertain significance for Hereditary cancer-predisposing syndrome. Last evaluated: 2024-03-28. Review status: criteria provided, single submitter. Criteria: Ambry Variant Classification Scheme 2023. Collection method: clinical testing. Allele origin: germline.
Comment: The c.457+5_457+7delGGAinsTGT intronic variant, located in intron 2 of the CDKN2A gene, results in the deletion of 3 nucleotides and the insertion of 3 nucleotides at intronic nucleotide positions 457+5 to 457+7. These nucleotide positions are not well conserved in available vertebrate species. In silico splice site analysis predicts that this alteration will weaken the native splice donor site and may result in the creation or strengthening of a novel splice donor site; however, direct evidence is insufficient at this time (Ambry internal data). Based on the available evidence, the clinical significance of this alteration remains unclear.